The following is an entry in ClinVar:

ClinVar aggregate classification (germline): Pathogenic. Review status: criteria provided, multiple submitters, no conflicts (2 of 4 stars). 2 submissions from 2 submitters: Pathogenic (2). Last evaluated 2023-03-28.

Conditions:
Familial cancer of breast. Also called: BREAST CANCER, FAMILIAL; Hereditary breast cancer; hereditary breast carcinoma. Identifiers: Orphanet 227535, MedGen C0346153, MONDO:0016419, OMIM 114480. Disease mechanism: loss of function.

Allele frequency attached by ClinVar (database versions not stated): gnomAD exomes below 0.00001.

Submissions (2):

GeneDx
Classification: Pathogenic. Last evaluated: 2023-03-28. Review status: criteria provided, single submitter. Criteria: GeneDx Variant Classification Process June 2021. Collection method: clinical testing. Allele origin: germline. Affected: yes.
Comment: Nonsense variant predicted to result in protein truncation as the last 183 amino acids are lost, although loss-of-function variants have not been reported downstream of this position in the protein; Not observed in large population cohorts (gnomAD); Has not been previously published as pathogenic or benign to our knowledge

Mendelics
Classification: Pathogenic for Familial cancer of breast. Last evaluated: 2022-05-04. Review status: criteria provided, single submitter. Criteria: Mendelics Assertion Criteria 2019. Collection method: clinical testing. Allele origin: germline.

NM_003620.4(PPM1D):c.1267G>T (p.Glu423Ter)

Gene: PPM1D (protein phosphatase, Mg2+/Mn2+ dependent 1D; plus strand). Cytogenetic location: 17q23.2.
Variant type: single nucleotide variant.
Coding change: c.1267G>T on transcript NM_003620.4 (MANE Select); coding-DNA position 1267, G replaced by T.
Protein change: p.Glu423Ter; replaces glutamic acid 423 with a stop codon.
Molecular consequence: nonsense.
Genome position (GRCh38, 1-based): chr17:60,663,001, G>T. VCF-style: chr17-60663001-G-T. GRCh37 (hg19) VCF-style: chr17-58740362-G-T.
Other names: short protein forms E423*.
Identifiers: ClinVar variation 392920 (VCV000392920.6), dbSNP rs1057524700, ClinGen allele CA16608564.